The following is an entry in ClinVar:

ClinVar aggregate classification (germline): Likely benign (1 of 4 stars; one submission).

Conditions:
Fraser syndrome 2 (FRASRS2). Identifiers: MedGen C4540036, MONDO:0054738, OMIM 617666.

Allele frequency attached by ClinVar (database versions not stated): 1000 Genomes Project 30x 0.00312; 1000 Genomes Project 0.00419; gnomAD 0.00862.
gnomAD v4.1: 7,124 of 793,908 alleles (0.9%); highest among the groups gnomAD compares: Non-Finnish European, 0.94%; 80 homozygotes.

Submission:

Illumina Laboratory Services, Illumina
Classification: Likely benign for Fraser syndrome 2. Last evaluated: 2018-01-13. Review status: criteria provided, single submitter. Criteria: ICSL Variant Classification Criteria 13 December 2019. Collection method: clinical testing. Allele origin: germline.
Comment: This variant was observed in the ICSL laboratory as part of a predisposition screen in an ostensibly healthy population. It had not been previously curated by ICSL or reported in the Human Gene Mutation Database (HGMD: prior to June 1st, 2018), and was therefore a candidate for classification through an automated scoring system. Utilizing variant allele frequency, disease prevalence and penetrance estimates, and inheritance mode, an automated score was calculated to assess if this variant is too frequent to cause the disease. Based on the score and internal cut-off values, a variant classified as likely benign is not then subjected to further curation. The score for this variant resulted in a classification of likely benign for this disease.

NM_207361.6(FREM2):c.-182G>A

Gene: FREM2 (FRAS1 related extracellular matrix 2; plus strand). Cytogenetic location: 13q13.3.
Variant type: single nucleotide variant.
Coding change: c.-182G>A on transcript NM_207361.6 (MANE Select); 182 bases upstream of the start codon, G replaced by A.
Molecular consequence: 5 prime UTR variant.
Genome position (GRCh38, 1-based): chr13:38,687,163, G>A. VCF-style: chr13-38687163-G-A. GRCh37 (hg19) VCF-style: chr13-39261300-G-A.
Identifiers: ClinVar variation 311932 (VCV000311932.5), dbSNP rs142232936, ClinGen allele CA10644386.